The following is an entry in ClinVar:

NM_001184880.2(PCDH19):c.1123G>T (p.Asp375Tyr)

Gene: PCDH19 (protocadherin 19; minus strand). Cytogenetic location: Xq22.1.
Variant type: single nucleotide variant.
Coding change: c.1123G>T on transcript NM_001184880.2 (MANE Select); coding-DNA position 1123, G replaced by T.
Protein change: p.Asp375Tyr; replaces aspartic acid 375 with tyrosine.
Molecular consequence: missense variant.
Genome position (GRCh38, 1-based): chrX:100,407,475, C>A on the plus strand (G>T on the coding strand, the complement: PCDH19 is on the minus strand). VCF-style: chrX-100407475-C-A. GRCh37 (hg19) VCF-style: chrX-99662473-C-A.
Other names: c.1123G>T, p.Asp375Tyr (NM_001105243.2, NM_020766.3); short protein forms D375Y.
Identifiers: ClinVar variation 4710822 (VCV004710822.1).

ClinVar aggregate classification (germline): Pathogenic (1 of 4 stars; one submission).

Conditions:
Developmental and epileptic encephalopathy, 9 (DEE9). Also called: Early infantile epileptic encephalopathy 9; JUBERG-HELLMAN SYNDROME; EPILEPSY, FEMALE-RESTRICTED, WITH MENTAL RETARDATION; PCDH19-Related X-Linked Female-Limited Epilepsy with Mental Retardation. Identifiers: Orphanet 101039, Orphanet 2076, MedGen C1848137, MONDO:0010246, OMIM 300088. Disease mechanism: loss of function.

Submission:

Labcorp Genetics (formerly Invitae), Labcorp
Classification: Pathogenic for Developmental and epileptic encephalopathy, 9. Last evaluated: 2025-03-30. Review status: criteria provided, single submitter. Criteria: Invitae Variant Classification Sherloc (09022015). Collection method: clinical testing. Allele origin: germline.
Comment: This sequence change replaces aspartic acid, which is acidic and polar, with tyrosine, which is neutral and polar, at codon 375 of the PCDH19 protein (p.Asp375Tyr). This variant is not present in population databases (gnomAD no frequency). This missense change has been observed in individual(s) with developmental and epileptic encephalopathy (PMID: 23334464, 30451291). In at least one individual the variant was observed to be de novo. Invitae Evidence Modeling of protein sequence and biophysical properties (such as structural, functional, and spatial information, amino acid conservation, physicochemical variation, residue mobility, and thermodynamic stability) indicates that this missense variant is expected to disrupt PCDH19 protein function with a positive predictive value of 95%. For these reasons, this variant has been classified as Pathogenic.

Literature cited by the submitters: PubMed 23334464; PubMed 30451291.